The following is an entry in ClinVar:

ClinVar aggregate classification (germline): Uncertain significance (1 of 4 stars; one submission).

Conditions:
Familial hypocalciuric hypercalcemia (FHH). Also called: Familial benign hypercalcemia. Identifiers: Orphanet 405, MedGen C1809471, MONDO:0018458.
Autosomal dominant hypocalcemia 1 (HYPOC1). Also called: HYPOCALCEMIA, FAMILIAL. Identifiers: MedGen C3715128, MONDO:0011013, OMIM 601198.

Submission:

Labcorp Genetics (formerly Invitae), Labcorp
Classification: Uncertain significance for Familial hypocalciuric hypercalcemia; Autosomal dominant hypocalcemia 1. Last evaluated: 2024-01-19. Review status: criteria provided, single submitter. Criteria: Invitae Variant Classification Sherloc (09022015). Collection method: clinical testing. Allele origin: germline.
Comment: This sequence change replaces proline, which is neutral and non-polar, with glutamine, which is neutral and polar, at codon 1012 of the CASR protein (p.Pro1012Gln). This variant is not present in population databases (gnomAD no frequency). This variant has not been reported in the literature in individuals affected with CASR-related conditions. ClinVar contains an entry for this variant (Variation ID: 664026). An algorithm developed to predict the effect of missense changes on protein structure and function (PolyPhen-2) suggests that this variant is likely to be tolerated. In summary, the available evidence is currently insufficient to determine the role of this variant in disease. Therefore, it has been classified as a Variant of Uncertain Significance.

NM_000388.4(CASR):c.3035C>A (p.Pro1012Gln)

Gene: CASR (calcium sensing receptor; plus strand). Cytogenetic location: 3q21.1.
Variant type: single nucleotide variant.
Coding change: c.3035C>A on transcript NM_000388.4 (MANE Select); coding-DNA position 3035, C replaced by A.
Protein change: p.Pro1012Gln; replaces proline 1012 with glutamine.
Molecular consequence: missense variant.
Genome position (GRCh38, 1-based): chr3:122,284,989, C>A. VCF-style: chr3-122284989-C-A. GRCh37 (hg19) VCF-style: chr3-122003836-C-A.
Other names: c.3065C>A, p.Pro1022Gln (NM_001178065.2); short protein forms P1012Q, P1022Q.
Identifiers: ClinVar variation 664026 (VCV000664026.9), dbSNP rs1576879134, ClinGen allele CA354161306.